The following is an entry in ClinVar:

ClinVar aggregate classification (germline): Uncertain significance (1 of 4 stars; one submission).

Conditions:
Catecholaminergic polymorphic ventricular tachycardia 1. Also called: VENTRICULAR TACHYCARDIA, CATECHOLAMINERGIC POLYMORPHIC, 1, WITH OR WITHOUT ATRIAL DYSFUNCTION AND/OR DILATED CARDIOMYOPATHY; RYR2-Related Catecholaminergic Polymorphic Ventricular Tachycardia; VENTRICULAR TACHYCARDIA, STRESS-INDUCED POLYMORPHIC 1. Identifiers: Orphanet 3286, MedGen C1631597, MONDO:0011484, OMIM 604772.

Submission:

Labcorp Genetics (formerly Invitae), Labcorp
Classification: Uncertain significance for Catecholaminergic polymorphic ventricular tachycardia 1. Last evaluated: 2022-06-12. Review status: criteria provided, single submitter. Criteria: Invitae Variant Classification Sherloc (09022015). Collection method: clinical testing. Allele origin: germline.
Comment: In summary, the available evidence is currently insufficient to determine the role of this variant in disease. Therefore, it has been classified as a Variant of Uncertain Significance. Advanced modeling of protein sequence and biophysical properties (such as structural, functional, and spatial information, amino acid conservation, physicochemical variation, residue mobility, and thermodynamic stability) performed at Invitae indicates that this missense variant is expected to disrupt RYR2 protein function. This variant has not been reported in the literature in individuals affected with RYR2-related conditions. This variant is not present in population databases (gnomAD no frequency). This sequence change replaces glycine, which is neutral and non-polar, with glutamic acid, which is acidic and polar, at codon 4401 of the RYR2 protein (p.Gly4401Glu).

NM_001035.3(RYR2):c.13202G>A (p.Gly4401Glu)

Genes: RYR2 (ryanodine receptor 2; plus strand), LOC126806068 (BRD4-independent group 4 enhancer GRCh37_chr1:237947411-237948610; plus strand). Cytogenetic location: 1q43.
Variant type: single nucleotide variant.
Coding change: c.13202G>A on transcript NM_001035.3 (MANE Select); coding-DNA position 13202, G replaced by A.
Protein change: p.Gly4401Glu; replaces glycine 4401 with glutamic acid.
Molecular consequence: missense variant.
Genome position (GRCh38, 1-based): chr1:237,784,914, G>A. VCF-style: chr1-237784914-G-A. GRCh37 (hg19) VCF-style: chr1-237948214-G-A.
Other names: short protein forms G4401E.
Identifiers: ClinVar variation 2080447 (VCV002080447.4), dbSNP rs2527801214, ClinGen allele CA345415569.